The following is an entry in ClinVar:

NM_000094.4(COL7A1):c.5299G>A (p.Gly1767Arg)

Gene: COL7A1 (collagen type VII alpha 1 chain; minus strand). Cytogenetic location: 3p21.31.
Variant type: single nucleotide variant.
Coding change: c.5299G>A on transcript NM_000094.4 (MANE Select); coding-DNA position 5299, G replaced by A.
Protein change: p.Gly1767Arg; replaces glycine 1767 with arginine.
Molecular consequence: missense variant.
Genome position (GRCh38, 1-based): chr3:48,579,377, C>T on the plus strand (G>A on the coding strand, the complement: COL7A1 is on the minus strand). VCF-style: chr3-48579377-C-T. GRCh37 (hg19) VCF-style: chr3-48616810-C-T.
Other names: short protein forms G1767R.
Identifiers: ClinVar variation 1723796 (VCV001723796.2), dbSNP rs2044562067, ClinGen allele CA352676261.

ClinVar aggregate classification (germline): Pathogenic (1 of 4 stars; one submission).

Allele frequency attached by ClinVar (database versions not stated): gnomAD exomes below 0.00001.
gnomAD v4.1: 1 of 1,614,214 alleles (0.000062%); highest among the groups gnomAD compares: Non-Finnish European, 0.000085%; no homozygotes.

Submission:

GeneDx
Classification: Pathogenic. Last evaluated: 2022-11-07. Review status: criteria provided, single submitter. Criteria: GeneDx Variant Classification Process June 2021. Collection method: clinical testing. Allele origin: germline. Affected: yes.
Comment: Located in the highly conserved Gly-X-Y repeat of the collagenous domain; Glycine substitution variants in this region of the COLVII protein destabilize the collagen triple helix resulting in skin fragility due to poor anchoring of the basement membrane to the underlying dermis (Pfendner and Lucky, 2018); Not observed in large population cohorts (gnomAD); In silico analysis supports that this missense variant has a deleterious effect on protein structure/function; Has not been previously published as pathogenic or benign to our knowledge; This variant is associated with the following publications: (PMID: 29334134, 34046686)